The following is an entry in ClinVar:

ClinVar aggregate classification (germline): Uncertain significance. Review status: criteria provided, single submitter (1 of 4 stars). 2 submissions from 2 submitters: Uncertain significance (1). 1 of the submissions does not count toward it. Last evaluated 2019-08-21.

Conditions:
Retinitis pigmentosa 59 (RP59). Identifiers: Orphanet 791, MedGen C3151227, MONDO:0013468, OMIM 613861.

Submissions (2):

Labcorp Genetics (formerly Invitae), Labcorp
Classification: Uncertain significance for Retinitis pigmentosa 59. Last evaluated: 2019-08-21. Review status: criteria provided, single submitter. Criteria: Invitae Variant Classification Sherloc (09022015). Collection method: clinical testing. Allele origin: germline.
Comment: This sequence change affects an acceptor splice site in the last intron (intron 8) of the DHDDS gene. While this is not anticipated to result in nonsense mediated decay, it likely alters RNA splicing and results in a disrupted protein product. This variant is not present in population databases (ExAC no frequency). This variant has not been reported in the literature in individuals with DHDDS-related conditions. Nucleotide substitutions within the consensus splice site are a relatively common cause of aberrant splicing (PMID: 17576681, 9536098). Algorithms developed to predict the effect of sequence changes on RNA splicing suggest that this variant may disrupt the consensus splice site, but this prediction has not been confirmed by published transcriptional studies. In summary, the available evidence is currently insufficient to determine the role of this variant in disease. Therefore, it has been classified as a Variant of Uncertain Significance.

Natera, Inc.
Classification: Uncertain significance for Retinitis pigmentosa type 59. Last evaluated: 2020-03-27. Review status: no assertion criteria provided. Collection method: clinical testing. Allele origin: germline. Not counted in ClinVar's aggregate classification.

Literature cited by the submitters: PubMed 17576681 (cited by Labcorp Genetics (formerly Invitae), Labcorp); PubMed 9536098 (cited by Labcorp Genetics (formerly Invitae), Labcorp).

NM_205861.3(DHDDS):c.766-4del

Gene: DHDDS (dehydrodolichyl diphosphate synthase subunit; plus strand). Cytogenetic location: 1p36.11.
Variant type: Deletion.
Coding change: c.766-4del on transcript NM_205861.3 (MANE Select); 4 bases into the intron before coding-DNA position 766, one base deleted (G; older notation c.766-4delG).
Molecular consequence: intron variant. On other transcripts: splice acceptor variant (1).
Genome position (GRCh38, 1-based): chr1:26,468,891, G deleted. VCF-style (leftmost placement, unchanged base first): chr1-26468890-AG-A. GRCh37 (hg19) VCF-style: chr1-26795381-AG-A.
Other names: c.487-4del (NM_001319959.2); c.766-1del (NM_024887.4); c.664-4del (NM_001243564.2); c.649-4del (NM_001243565.2).
Identifiers: ClinVar variation 949627 (VCV000949627.6), dbSNP rs2075521285, ClinGen allele CA1139656015.